The following is an entry in ClinVar:

ClinVar aggregate classification (germline): Benign/Likely benign. Review status: criteria provided, multiple submitters, no conflicts (2 of 4 stars). 5 submissions from 5 submitters: Benign (2); Likely benign (3). Last evaluated 2025-10-21.

Conditions:
Autoinflammatory syndrome. Identifiers: Orphanet 93665, MedGen C3890737, MONDO:0019751.
Pityriasis rubra pilaris (PRP). Also called: Pityriasis rubra pilaris--familial type. Identifiers: Orphanet 2897, MedGen C0032027, MONDO:0100017, OMIM 173200, MONDO:0008251.
Psoriasis 2. Identifiers: MedGen C1864497, MONDO:0011269, OMIM 602723.

Allele frequency attached by ClinVar (database versions not stated): gnomAD 0.00003 and 0.00008; TOPMed 0.00006; ESP Exome Variant Server 0.00008; ExAC 0.00028; 1000 Genomes Project 30x 0.00031; 1000 Genomes Project 0.00040.
gnomAD v4.1: 172 of 1,612,606 alleles (0.011%); highest among the groups gnomAD compares: South Asian, 0.15%; 1 homozygote.

Submissions (5):

Labcorp Genetics (formerly Invitae), Labcorp
Classification: Benign for Pityriasis rubra pilaris; Psoriasis 2. Last evaluated: 2025-10-21. Review status: criteria provided, single submitter. Criteria: Invitae Variant Classification Sherloc (09022015). Collection method: clinical testing. Allele origin: germline.

Blueprint Genetics
Classification: Likely benign. Last evaluated: 2023-05-12. Review status: criteria provided, single submitter. Criteria: ACMG Guidelines, 2015. Collection method: clinical testing. Allele origin: germline.

CeGaT Center for Human Genetics Tuebingen
Classification: Likely benign. Last evaluated: 2022-11-01. Review status: criteria provided, single submitter. Criteria: CeGaT Center For Human Genetics Tuebingen Variant Classification Criteria Version 2. Collection method: clinical testing. Allele origin: germline. Affected: yes. Observed: 1 variant allele.
Comment: CARD14: BP4, BP7

Genome Diagnostics Laboratory, The Hospital for Sick Children
Classification: Likely benign for Autoinflammatory syndrome. Last evaluated: 2018-07-01. Review status: criteria provided, single submitter. Criteria: ACMG Guidelines, 2015. Collection method: clinical testing. Allele origin: germline. Affected: yes.

Breakthrough Genomics
Classification: Benign. Review status: criteria provided, single submitter. Criteria: ACMG Guidelines, 2015. Collection method: not provided. Allele origin: germline. Inheritance: Autosomal dominant inheritance. Affected: yes.

NM_001366385.1(CARD14):c.1428C>T (p.Pro476=)

Gene: CARD14 (caspase recruitment domain family member 14; plus strand). Cytogenetic location: 17q25.3.
Variant type: single nucleotide variant.
Coding change: c.1428C>T on transcript NM_001366385.1 (MANE Select); coding-DNA position 1428, C replaced by T.
Protein change: p.Pro476=; no amino-acid change (proline 476 retained).
Molecular consequence: synonymous variant. On other transcripts: non-coding transcript variant (1).
Genome position (GRCh38, 1-based): chr17:80,195,262, C>T. VCF-style: chr17-80195262-C-T. GRCh37 (hg19) VCF-style: chr17-78169061-C-T.
Other names: c.1428C>T, p.Pro476= (NM_001257970.1, NM_024110.4); c.717C>T, p.Pro239= (NM_052819.3).
Identifiers: ClinVar variation 796946 (VCV000796946.45), dbSNP rs368432283, ClinGen allele CA8816825.